The following is an entry in ClinVar:

NC_012920.1(MT-TC):m.5785T>C

Gene: MT-TC (mitochondrially encoded tRNA cysteine; minus strand).
Variant type: single nucleotide variant.
Genome position: chrM-5785-T-C.
Identifiers: ClinVar variation 689988 (VCV000689988.1), dbSNP rs373493739, ClinGen allele CA337097237.

ClinVar aggregate classification (germline): Benign (1 of 4 stars; one submission).

Conditions:
MELAS syndrome (MELAS). Also called: Juvenile myopathy, encephalopathy, lactic acidosis, stroke. Identifiers: Orphanet 550, MedGen C0162671, MONDO:0010789, OMIM 540000.

Submission:

Wong Mito Lab, Molecular and Human Genetics, Baylor College of Medicine
Classification: Benign for MELAS syndrome. Last evaluated: 2019-07-12. Review status: criteria provided, single submitter. Criteria: Modified ACMG Guidelines (Unpublished). Collection method: clinical testing. Allele origin: germline.
Comment: The NC_012920.1:m.5785T>C variant in MT-TC gene is interpreted to be a Benign variant based on the modified ACMG guidelines (unpublished). This variant meets the following evidence codes reported in the guidelines: BS1, BS2, BP4

Literature cited by the submitters: PubMed 31965079.